The following is an entry in ClinVar:

NM_000342.4(SLC4A1):c.1805G>A (p.Arg602His)

Gene: SLC4A1 (solute carrier family 4 member 1 (Diego blood group); minus strand). Cytogenetic location: 17q21.31.
Variant type: single nucleotide variant.
Coding change: c.1805G>A on transcript NM_000342.4 (MANE Select); coding-DNA position 1805, G replaced by A.
Protein change: p.Arg602His; replaces arginine 602 with histidine.
Molecular consequence: missense variant.
Genome position (GRCh38, 1-based): chr17:44,255,292, C>T on the plus strand (G>A on the coding strand, the complement: SLC4A1 is on the minus strand). VCF-style: chr17-44255292-C-T. GRCh37 (hg19) VCF-style: chr17-42332660-C-T.
Other names: short protein forms R602H.
Identifiers: ClinVar variation 4710385 (VCV004710385.1).
Genomic context (GRCh38, chr17:44,255,292, plus strand): 5'-AAATCCACCAGGACCATGATCAGGATGGAGATGGGGACCCCGAAGTCCCCGATGACCCGA[C>T]GCAGCTGGGGGCAGGTGAAAGGACCAGTGGTCAGTGCCCAGTCACTCCCCACCTCCTGCC-3'
Protein context (NP_000333.1, residues 592-612): KNSSYFPGKL[Arg602His]RVIGDFGVPI

ClinVar aggregate classification (germline): Likely pathogenic (1 of 4 stars; one submission).

gnomAD v4.1: 12 of 1,554,304 alleles (0.00077%); highest among the groups gnomAD compares: Admixed American, 0.0059%; no homozygotes.

Submission:

Labcorp Genetics (formerly Invitae), Labcorp
Classification: Likely pathogenic. Last evaluated: 2025-04-03. Review status: criteria provided, single submitter. Criteria: Invitae Variant Classification Sherloc (09022015). Collection method: clinical testing. Allele origin: germline.
Comment: This sequence change replaces arginine, which is basic and polar, with histidine, which is basic and polar, at codon 602 of the SLC4A1 protein (p.Arg602His). This variant is present in population databases (no rsID available, gnomAD 0.01%). This missense change has been observed in individual(s) with autosomal recessive distal renal tubular acidosis (PMID: 15211439). In at least one individual the data is consistent with being in trans (on the opposite chromosome) from a pathogenic variant. It has also been observed to segregate with disease in related individuals. This variant is also known as band 3 Songkla 1. Invitae Evidence Modeling of protein sequence and biophysical properties (such as structural, functional, and spatial information, amino acid conservation, physicochemical variation, residue mobility, and thermodynamic stability) indicates that this missense variant is expected to disrupt SLC4A1 protein function with a positive predictive value of 80%. Experimental studies are conflicting or provide insufficient evidence to determine the effect of this variant on SLC4A1 function (PMID: 17941824). In summary, the currently available evidence indicates that the variant is pathogenic, but additional data are needed to prove that conclusively. Therefore, this variant has been classified as Likely Pathogenic.

Literature cited by the submitters: PubMed 15211439; PubMed 17941824.